The following is an entry in ClinVar:

ClinVar aggregate classification (germline): Uncertain significance (1 of 4 stars; one submission).

Submission:

Labcorp Genetics (formerly Invitae), Labcorp
Classification: Uncertain significance. Last evaluated: 2022-07-12. Review status: criteria provided, single submitter. Criteria: Invitae Variant Classification Sherloc (09022015). Collection method: clinical testing. Allele origin: germline.
Comment: ClinVar contains an entry for this variant (Variation ID: 1502057). This variant has not been reported in the literature in individuals affected with FOXI3-related conditions. This variant is not present in population databases (gnomAD no frequency). This sequence change replaces serine with asparagine at codon 178 of the FOXI3 protein (p.Ser178Asn). The serine residue is weakly conserved and there is a small physicochemical difference between serine and asparagine. Experimental studies and prediction algorithms are not available or were not evaluated, and the functional significance of this variant is currently unknown. In summary, the available evidence is currently insufficient to determine the role of this variant in disease. Therefore, it has been classified as a Variant of Uncertain Significance.

NM_001135649.3(FOXI3):c.533G>A (p.Ser178Asn)

Gene: FOXI3 (forkhead box I3; minus strand). Cytogenetic location: 2p11.2.
Variant type: single nucleotide variant.
Coding change: c.533G>A on transcript NM_001135649.3 (MANE Select); coding-DNA position 533, G replaced by A.
Protein change: p.Ser178Asn; replaces serine 178 with asparagine.
Molecular consequence: missense variant.
Genome position (GRCh38, 1-based): chr2:88,452,003, C>T on the plus strand (G>A on the coding strand, the complement: FOXI3 is on the minus strand). VCF-style: chr2-88452003-C-T. GRCh37 (hg19) VCF-style: chr2-88751522-C-T.
Other names: short protein forms S178N.
Identifiers: ClinVar variation 1502057 (VCV001502057.6), dbSNP rs2104263538, ClinGen allele CA347766140.
Genomic context (GRCh38, chr2:88,452,003, plus strand): 5'-GACAGGTTGTGGCGGATGGAGTTCTGCCAGCCGGCCTTGCTGCGCTGGTAGAAGGGGAAG[C>T]TATCGGCGACGAACTGGTAGATGTGGCTGAGAGTGAGTTTGCGCTCGGGCGCGCTCTGAA-3'
Protein context (NP_001129121.1, residues 168-188): LSHIYQFVAD[Ser178Asn]FPFYQRSKAG